The following is an entry in ClinVar:

NM_003738.5(PTCH2):c.3287C>T (p.Thr1096Met)

Gene: PTCH2 (patched 2; minus strand). Cytogenetic location: 1p34.1.
Variant type: single nucleotide variant.
Coding change: c.3287C>T on transcript NM_003738.5 (MANE Select); coding-DNA position 3287, C replaced by T.
Protein change: p.Thr1096Met; replaces threonine 1096 with methionine.
Molecular consequence: missense variant.
Genome position (GRCh38, 1-based): chr1:44,823,139, G>A on the plus strand (C>T on the coding strand, the complement: PTCH2 is on the minus strand). VCF-style: chr1-44823139-G-A. GRCh37 (hg19) VCF-style: chr1-45288811-G-A.
Other names: c.3287C>T, p.Thr1096Met (NM_001166292.2); short protein forms T1096M.
Identifiers: ClinVar variation 1691539 (VCV001691539.9), dbSNP rs1159570918, ClinGen allele CA340106080.

ClinVar aggregate classification (germline): Uncertain significance. Review status: criteria provided, multiple submitters, no conflicts (2 of 4 stars). 2 submissions from 2 submitters: Uncertain significance (2). Last evaluated 2022-06-12.

Conditions:
Gorlin syndrome. Also called: Basal cell nevus syndrome; Nevoid Basal Cell Carcinoma Syndrome. Identifiers: Orphanet 377, MedGen C0004779, MONDO:0007187.

Allele frequency attached by ClinVar (database versions not stated): gnomAD exomes 0.00001.
gnomAD v4.1: 7 of 1,614,096 alleles (0.00043%); highest among the groups gnomAD compares: South Asian, 0.0011%; no homozygotes.

Submissions (2):

Labcorp Genetics (formerly Invitae), Labcorp
Classification: Uncertain significance for Gorlin syndrome. Last evaluated: 2022-06-12. Review status: criteria provided, single submitter. Criteria: Invitae Variant Classification Sherloc (09022015). Collection method: clinical testing. Allele origin: germline.
Comment: This sequence change replaces threonine, which is neutral and polar, with methionine, which is neutral and non-polar, at codon 1096 of the PTCH2 protein (p.Thr1096Met). This variant is present in population databases (no rsID available, gnomAD 0.0009%). This variant has not been reported in the literature in individuals affected with PTCH2-related conditions. Algorithms developed to predict the effect of missense changes on protein structure and function are either unavailable or do not agree on the potential impact of this missense change (SIFT: "Tolerated"; PolyPhen-2: "Probably Damaging"; Align-GVGD: "Class C0"). In summary, the available evidence is currently insufficient to determine the role of this variant in disease. Therefore, it has been classified as a Variant of Uncertain Significance.

St. Jude Molecular Pathology, St. Jude Children's Research Hospital
Classification: Uncertain significance for Basal cell nevus syndrome 1. Last evaluated: 2022-05-16. Review status: criteria provided, single submitter. Criteria: St. Jude Assertion Criteria 2020. Collection method: clinical testing. Allele origin: germline.
Comment: The PTCH2 c.3287C>T (p.Thr1096Met) missense change has a maximum subpopulation frequency of 0.0018% in gnomAD v2.1.1 (PM2_supporting). In silico tools are not in agreement about the effect of this variant on protein function, but to our knowledge these predictions have not been confirmed by functional assays. To our knowledge, this variant has not been reported in individuals with Gorlin syndrome. In summary, this variant meets criteria to be classified as of uncertain significance based on the ACMG/AMP criteria: PM2_supporting.